The following is an entry in ClinVar:

ClinVar aggregate classification (germline): Likely benign (0 of 4 stars; one submission).

Conditions:
ATM-related disorder. Also called: ATM-related disorders; ATM-related condition.

Allele frequency attached by ClinVar (database versions not stated): TOPMed below 0.00001; gnomAD 0.00001.
gnomAD v4.1: 1 of 152,162 alleles (0.00066%); highest among the groups gnomAD compares: Non-Finnish European, 0.0015%; no homozygotes.

Submission:

PreventionGenetics, part of Exact Sciences
Classification: Likely benign for ATM-related condition. Last evaluated: 2021-11-30. Review status: no assertion criteria provided. Collection method: clinical testing. Allele origin: germline.
Comment: This variant is classified as likely benign based on ACMG/AMP sequence variant interpretation guidelines (Richards et al. 2015 PMID: 25741868, with internal and published modifications).

NM_000051.4(ATM):c.2839-583A>G

Gene: ATM (ATM serine/threonine kinase; plus strand). Cytogenetic location: 11q22.3.
Variant type: single nucleotide variant.
Coding change: c.2839-583A>G on transcript NM_000051.4 (MANE Select); 583 bases into the intron before coding-DNA position 2839, A replaced by G.
Molecular consequence: intron variant.
Genome position (GRCh38, 1-based): chr11:108,270,481, A>G. VCF-style: chr11-108270481-A-G. GRCh37 (hg19) VCF-style: chr11-108141208-A-G.
Other names: c.2839-583A>G (NM_001351834.2).
Identifiers: ClinVar variation 3029620 (VCV003029620.2), dbSNP rs1451969353, ClinGen allele CA671407984.
Genomic context (GRCh38, chr11:108,270,481, plus strand): 5'-TTCCACAATAGAAGCTAGACTTTTACGTTTATTTTCTCTAATCCTCACAGTTATCTGGCC[A>G]GGTAAGTGATATATCTTCACTCTACTGATGAGGGTACGAAGGCCCTAGATGACATAAGGC-3'